The following is an entry in ClinVar:

NM_001303.4(COX10):c.524C>T (p.Ala175Val)

Gene: COX10 (cytochrome c oxidase assembly factor heme A:farnesyltransferase COX10; plus strand). Cytogenetic location: 17p12.
Variant type: single nucleotide variant.
Coding change: c.524C>T on transcript NM_001303.4 (MANE Select); coding-DNA position 524, C replaced by T.
Protein change: p.Ala175Val; replaces alanine 175 with valine.
Molecular consequence: missense variant.
Genome position (GRCh38, 1-based): chr17:14,102,142, C>T. VCF-style: chr17-14102142-C-T. GRCh37 (hg19) VCF-style: chr17-14005459-C-T.
Other names: p.Ala175Val; c.524C>T (NM_001303.3); short protein forms A175V.
Identifiers: ClinVar variation 2176831 (VCV002176831.7), dbSNP rs141466324, ClinGen allele CA8402349.

ClinVar aggregate classification (germline): Conflicting classifications of pathogenicity. Review status: criteria provided, conflicting classifications (1 of 4 stars). 6 submissions from 6 submitters: Uncertain significance (5); Likely benign (1). Last evaluated 2026-02-01.

Conditions:
Mitochondrial complex IV deficiency, nuclear type 3. Also called: Mitochondrial complex 4 deficiency, nuclear type 3. Identifiers: MedGen C5436682, MONDO:0033635, OMIM 619046.
Inborn genetic diseases. Identifiers: MedGen C0950123, MeSH D030342.

Allele frequency attached by ClinVar (database versions not stated): TOPMed 0.00009; ESP Exome Variant Server 0.00031.

Submissions (6):

Egypt Genome Project
Classification: Likely benign for Mitochondrial complex IV deficiency, nuclear type 3. Last evaluated: 2026-02-01. Review status: criteria provided, single submitter. Criteria: ACMG Guidelines, 2015. Collection method: research. Allele origin: germline. Affected: yes.
Comment: The NM_001303.3 c.524C>T is classified as Likely benign based on the ACMG/AMP criteria ( BS1,PM1-supporting, PM3-supporting, BP4)

Labcorp Genetics (formerly Invitae), Labcorp
Classification: Uncertain significance. Last evaluated: 2025-01-06. Review status: criteria provided, single submitter. Criteria: Invitae Variant Classification Sherloc (09022015). Collection method: clinical testing. Allele origin: germline.
Comment: This sequence change replaces alanine, which is neutral and non-polar, with valine, which is neutral and non-polar, at codon 175 of the COX10 protein (p.Ala175Val). This variant is present in population databases (rs141466324, gnomAD 0.02%). This variant has not been reported in the literature in individuals affected with COX10-related conditions. ClinVar contains an entry for this variant (Variation ID: 2176831). Invitae Evidence Modeling of protein sequence and biophysical properties (such as structural, functional, and spatial information, amino acid conservation, physicochemical variation, residue mobility, and thermodynamic stability) indicates that this missense variant is not expected to disrupt COX10 protein function with a negative predictive value of 80%. In summary, the available evidence is currently insufficient to determine the role of this variant in disease. Therefore, it has been classified as a Variant of Uncertain Significance.

Blueprint Genetics
Classification: Uncertain significance. Last evaluated: 2024-11-08. Review status: criteria provided, single submitter. Criteria: ACMG Guidelines, 2015. Collection method: clinical testing. Allele origin: germline.

Mayo Clinic Laboratories, Mayo Clinic
Classification: Uncertain significance. Last evaluated: 2024-06-18. Review status: criteria provided, single submitter. Criteria: ACMG Guidelines, 2015. Collection method: clinical testing. Allele origin: germline. Observed: 1 variant allele.

Fulgent Genetics
Classification: Uncertain significance for Mitochondrial complex IV deficiency, nuclear type 3. Last evaluated: 2024-03-26. Review status: criteria provided, single submitter. Criteria: ACMG Guidelines, 2015. Collection method: clinical testing. Allele origin: germline.

Ambry Genetics
Classification: Uncertain significance for Inborn genetic diseases. Last evaluated: 2024-03-05. Review status: criteria provided, single submitter. Criteria: Ambry Variant Classification Scheme 2023. Collection method: clinical testing. Allele origin: germline.